The following is an entry in ClinVar:

NM_001077525.3(MTMR14):c.66G>A (p.Gln22=)

Gene: MTMR14 (myotubularin related protein 14; plus strand). Cytogenetic location: 3p25.3.
Variant type: single nucleotide variant.
Coding change: c.66G>A on transcript NM_001077525.3 (MANE Select); coding-DNA position 66, G replaced by A.
Protein change: p.Gln22=; no amino-acid change (glutamine 22 retained).
Molecular consequence: synonymous variant.
Genome position (GRCh38, 1-based): chr3:9,649,649, G>A. VCF-style: chr3-9649649-G-A. GRCh37 (hg19) VCF-style: chr3-9691333-G-A.
Other names: c.66G>A, p.Gln22= (NM_001077526.3, NM_022485.5).
Identifiers: ClinVar variation 703240 (VCV000703240.13), dbSNP rs150661840, ClinGen allele CA2240128.

ClinVar aggregate classification (germline): Benign. Review status: criteria provided, multiple submitters, no conflicts (2 of 4 stars). 3 submissions from 3 submitters: Benign (2). 1 of the submissions does not count toward it. Last evaluated 2025-12-25.

Conditions:
MTMR14-related disorder. Also called: MTMR14-related condition.

Allele frequency attached by ClinVar (database versions not stated): ESP Exome Variant Server 0.00154; gnomAD 0.00216 and 0.00225; TOPMed 0.00226; 1000 Genomes Project 0.00319; 1000 Genomes Project 30x 0.00359.
gnomAD v4.1: 799 of 1,583,036 alleles (0.05%); highest among the groups gnomAD compares: African/African-American, 0.75%; 5 homozygotes.

Submissions (3):

Labcorp Genetics (formerly Invitae), Labcorp
Classification: Benign. Last evaluated: 2025-12-25. Review status: criteria provided, single submitter. Criteria: Invitae Variant Classification Sherloc (09022015). Collection method: clinical testing. Allele origin: germline.

Breakthrough Genomics
Classification: Benign. Review status: criteria provided, single submitter. Criteria: ACMG Guidelines, 2015. Collection method: not provided. Allele origin: germline. Inheritance: Autosomal dominant inheritance. Affected: yes.

PreventionGenetics, part of Exact Sciences
Classification: Benign for MTMR14-related condition. Last evaluated: 2019-02-27. Review status: no assertion criteria provided. Collection method: clinical testing. Allele origin: germline. Not counted in ClinVar's aggregate classification.
Comment: This variant is classified as benign based on ACMG/AMP sequence variant interpretation guidelines (Richards et al. 2015 PMID: 25741868, with internal and published modifications).